The following is an entry in ClinVar:

ClinVar aggregate classification (germline): Likely pathogenic (1 of 4 stars; one submission).

gnomAD v4.1: 1 of 1,614,000 alleles (0.000062%); no homozygotes.

Submission:

Labcorp Genetics (formerly Invitae), Labcorp
Classification: Likely pathogenic. Last evaluated: 2023-08-30. Review status: criteria provided, single submitter. Criteria: Invitae Variant Classification Sherloc (09022015). Collection method: clinical testing. Allele origin: germline.
Comment: In summary, the currently available evidence indicates that the variant is pathogenic, but additional data are needed to prove that conclusively. Therefore, this variant has been classified as Likely Pathogenic. Algorithms developed to predict the effect of sequence changes on RNA splicing suggest that this variant may disrupt the consensus splice site. This variant has not been reported in the literature in individuals affected with SLC38A8-related conditions. This variant is not present in population databases (gnomAD no frequency). This sequence change affects an acceptor splice site in intron 6 of the SLC38A8 gene. It is expected to disrupt RNA splicing. Variants that disrupt the donor or acceptor splice site typically lead to a loss of protein function (PMID: 16199547), and loss-of-function variants in SLC38A8 are known to be pathogenic (PMID: 24290379).

Literature cited by the submitters: PubMed 16199547; PubMed 24290379.

NM_001080442.3(SLC38A8):c.806-1G>T

Gene: SLC38A8 (solute carrier family 38 member 8; minus strand). Cytogenetic location: 16q23.3.
Variant type: single nucleotide variant.
Coding change: c.806-1G>T on transcript NM_001080442.3 (MANE Select); the canonical splice acceptor site of the intron before coding-DNA position 806, G replaced by T.
Molecular consequence: splice acceptor variant.
Genome position (GRCh38, 1-based): chr16:84,017,288, C>A on the plus strand (G>T on the coding strand, the complement: SLC38A8 is on the minus strand). VCF-style: chr16-84017288-C-A. GRCh37 (hg19) VCF-style: chr16-84050893-C-A.
Identifiers: ClinVar variation 2756549 (VCV002756549.3), dbSNP rs1264247948, ClinGen allele CA396932635.